The following is an entry in ClinVar:

ClinVar aggregate classification (germline): Conflicting classifications of pathogenicity. Review status: criteria provided, conflicting classifications (1 of 4 stars). 4 submissions from 4 submitters: Uncertain significance (1); Likely benign (2). 1 of the submissions does not count toward it. Last evaluated 2026-01-27.

Conditions:
PEX16-related disorder. Also called: PEX16-related condition.
Peroxisome biogenesis disorder 8A (Zellweger). Also called: Peroxisome biogenesis disorder 8A. Identifiers: Orphanet 912, MedGen C3553959, MONDO:0013942, OMIM 614876.
Peroxisome biogenesis disorder. Identifiers: Orphanet 79189, MedGen C1832200, MONDO:0019234. Disease mechanism: loss of function.

Allele frequency attached by ClinVar (database versions not stated): ExAC 0.00003; gnomAD 0.00007; TOPMed 0.00007; ESP Exome Variant Server 0.00008; gnomAD exomes 0.00008; 1000 Genomes Project 30x 0.00016; 1000 Genomes Project 0.00020.
gnomAD v4.1: 287 of 1,613,920 alleles (0.018%); highest among the groups gnomAD compares: Non-Finnish European, 0.024%; no homozygotes.

Submissions (4):

Labcorp Genetics (formerly Invitae), Labcorp
Classification: Likely benign for Peroxisome biogenesis disorder. Last evaluated: 2026-01-27. Review status: criteria provided, single submitter. Criteria: Invitae Variant Classification Sherloc (09022015). Collection method: clinical testing. Allele origin: germline.

Blueprint Genetics
Classification: Likely benign. Last evaluated: 2022-08-31. Review status: criteria provided, single submitter. Criteria: ACMG Guidelines, 2015. Collection method: clinical testing. Allele origin: germline.

Illumina Laboratory Services, Illumina
Classification: Uncertain significance for Peroxisome biogenesis disorder 8A (Zellweger). Last evaluated: 2018-01-13. Review status: criteria provided, single submitter. Criteria: ICSL Variant Classification Criteria 13 December 2019. Collection method: clinical testing. Allele origin: germline.

PreventionGenetics, part of Exact Sciences
Classification: Likely benign for PEX16-related condition. Last evaluated: 2019-03-13. Review status: no assertion criteria provided. Collection method: clinical testing. Allele origin: germline. Not counted in ClinVar's aggregate classification.
Comment: This variant is classified as likely benign based on ACMG/AMP sequence variant interpretation guidelines (Richards et al. 2015 PMID: 25741868, with internal and published modifications).

NM_004813.4(PEX16):c.360-7G>A

Gene: PEX16 (peroxisomal biogenesis factor 16; minus strand). Cytogenetic location: 11p11.2.
Variant type: single nucleotide variant.
Coding change: c.360-7G>A on transcript NM_004813.4 (MANE Select); 7 bases into the intron before coding-DNA position 360, G replaced by A.
Molecular consequence: intron variant.
Genome position (GRCh38, 1-based): chr11:45,915,575, C>T on the plus strand (G>A on the coding strand, the complement: PEX16 is on the minus strand). VCF-style: chr11-45915575-C-T. GRCh37 (hg19) VCF-style: chr11-45937126-C-T.
Other names: c.360-7G>A (NM_057174.3).
Identifiers: ClinVar variation 304795 (VCV000304795.16), dbSNP rs202161790, ClinGen allele CA5959989.